The following is an entry in ClinVar:

NM_002474.3(MYH11):c.1181G>A (p.Arg394Lys)

Gene: MYH11 (myosin heavy chain 11; minus strand). Cytogenetic location: 16p13.11.
Variant type: single nucleotide variant.
Coding change: c.1181G>A on transcript NM_002474.3 (MANE Select); coding-DNA position 1181, G replaced by A.
Protein change: p.Arg394Lys; replaces arginine 394 with lysine.
Molecular consequence: missense variant.
Genome position (GRCh38, 1-based): chr16:15,760,607, C>T on the plus strand (G>A on the coding strand, the complement: MYH11 is on the minus strand). VCF-style: chr16-15760607-C-T. GRCh37 (hg19) VCF-style: chr16-15854464-C-T.
Other names: c.1202G>A, p.Arg401Lys (NM_001040113.2, NM_001040114.2); c.1181G>A, p.Arg394Lys (NM_022844.3); c.1181G>A (NM_002474.2); short protein forms R394K, R401K.
Identifiers: ClinVar variation 629818 (VCV000629818.12), dbSNP rs767021608, ClinGen allele CA7922685.

ClinVar aggregate classification (germline): Uncertain significance. Review status: criteria provided, multiple submitters, no conflicts (2 of 4 stars). 6 submissions from 6 submitters: Uncertain significance (6). Last evaluated 2026-01-19.

Conditions:
Aortic aneurysm, familial thoracic 4 (AAT4). Also called: AORTIC ANEURYSM/AORTIC DISSECTION AND PATENT DUCTUS ARTERIOSUS. Identifiers: MedGen C1851504, MONDO:0007568, OMIM 132900.
Familial thoracic aortic aneurysm and aortic dissection (TAAD). Also called: Thoracic aortic aneurysms and dissections. Identifiers: Orphanet 91387, MedGen C4707243, MONDO:0019625.

Allele frequency attached by ClinVar (database versions not stated): gnomAD 0.00001; gnomAD exomes 0.00001 and 0.00002; TOPMed 0.00001; ExAC 0.00002.

Submissions (6):

Labcorp Genetics (formerly Invitae), Labcorp
Classification: Uncertain significance for Aortic aneurysm, familial thoracic 4. Last evaluated: 2026-01-19. Review status: criteria provided, single submitter. Criteria: Invitae Variant Classification Sherloc (09022015). Collection method: clinical testing. Allele origin: germline.
Comment: This sequence change replaces arginine, which is basic and polar, with lysine, which is basic and polar, at codon 401 of the MYH11 protein (p.Arg401Lys). This variant is present in population databases (rs767021608, gnomAD 0.004%). This variant has not been reported in the literature in individuals affected with MYH11-related conditions. ClinVar contains an entry for this variant (Variation ID: 629818). Invitae Evidence Modeling of protein sequence and biophysical properties (such as structural, functional, and spatial information, amino acid conservation, physicochemical variation, residue mobility, and thermodynamic stability) indicates that this missense variant is not expected to disrupt MYH11 protein function with a negative predictive value of 95%. In summary, the available evidence is currently insufficient to determine the role of this variant in disease. Therefore, it has been classified as a Variant of Uncertain Significance.

Ambry Genetics
Classification: Uncertain significance for Familial thoracic aortic aneurysm and aortic dissection. Last evaluated: 2024-11-23. Review status: criteria provided, single submitter. Criteria: Ambry Variant Classification Scheme 2023. Collection method: clinical testing. Allele origin: germline.
Comment: The p.R394K variant (also known as c.1181G>A), located in coding exon 10 of the MYH11 gene, results from a G to A substitution at nucleotide position 1181. The arginine at codon 394 is replaced by lysine, an amino acid with highly similar properties. This amino acid position is conserved. In addition, this alteration is predicted to be tolerated by in silico analysis. Based on the available evidence, the clinical significance of this variant remains unclear.

All of Us Research Program, National Institutes of Health
Classification: Uncertain significance for Familial thoracic aortic aneurysm and aortic dissection. Last evaluated: 2024-09-23. Review status: criteria provided, single submitter. Criteria: ACMG Guidelines, 2015. Collection method: clinical testing. Allele origin: germline. Inheritance: Autosomal dominant inheritance. Observed: 7 variant alleles, 7 heterozygotes.
Comment: Variant of Uncertain Significance due to insufficient evidence: This missense variant is located in the myosin motor domain of the MYH11 protein. Computational prediction tools and conservation analyses suggest that this variant may not impact the protein function. Computational splicing tools suggest that this variant may not impact RNA splicing. To our knowledge, functional assays have not been performed for this variant nor has this variant been reported in individuals affected with cardiovascular disorders in the literature. This variant has been identified in 5/246270 chromosomes in the general population by the Genome Aggregation Database (gnomAD). Available evidence is insufficient to determine the pathogenicity of this variant conclusively.

This study involves interpretation of variants in research participants for the purpose of population health screening. Participant phenotype was not available at the time of variant classification. Additional details can be found in publication PMID: 35346344, PMCID: PMC8962531

Color Diagnostics, LLC DBA Color Health
Classification: Uncertain significance for Familial thoracic aortic aneurysm and aortic dissection. Last evaluated: 2024-03-07. Review status: criteria provided, single submitter. Criteria: ACMG Guidelines, 2015. Collection method: clinical testing. Allele origin: germline.
Comment: This missense variant replaces arginine with lysine at codon 401 of the MYH11 protein. Computational prediction suggests that this variant may not impact protein structure and function (internally defined REVEL score threshold <= 0.5, PMID: 27666373). To our knowledge, functional studies have not been reported for this variant. This variant has not been reported in individuals affected with MYH11-related disorders in the literature. This variant has been identified in 6/251492 chromosomes in the general population by the Genome Aggregation Database (gnomAD). The available evidence is insufficient to determine the role of this variant in disease conclusively. Therefore, this variant is classified as a Variant of Uncertain Significance.

Blueprint Genetics
Classification: Uncertain significance. Last evaluated: 2023-07-11. Review status: criteria provided, single submitter. Criteria: ACMG Guidelines, 2015. Collection method: clinical testing. Allele origin: germline.

Institute of Human Genetics, University of Leipzig Medical Center
Classification: Uncertain significance for Aortic aneurysm, familial thoracic 4. Last evaluated: 2022-05-30. Review status: criteria provided, single submitter. Criteria: ACMG Guidelines, 2015. Collection method: clinical testing. Allele origin: unknown. Affected: yes.
Comment: _x000D_ Criteria applied: PM1_SUP, BP4